The following is an entry in ClinVar:

NM_001848.3(COL6A1):c.1740+145G>T

Gene: COL6A1 (collagen type VI alpha 1 chain; plus strand). Cytogenetic location: 21q22.3.
Variant type: single nucleotide variant.
Coding change: c.1740+145G>T on transcript NM_001848.3 (MANE Select); 145 bases into the intron after coding-DNA position 1740, G replaced by T.
Molecular consequence: intron variant.
Genome position (GRCh38, 1-based): chr21:45,999,363, G>T. VCF-style: chr21-45999363-G-T. GRCh37 (hg19) VCF-style: chr21-47419277-G-T.
Identifiers: ClinVar variation 679948 (VCV000679948.2), dbSNP rs13048481, ClinGen allele CA14894527.

ClinVar aggregate classification (germline): Benign. Review status: criteria provided, multiple submitters, no conflicts (2 of 4 stars). 2 submissions from 2 submitters: Benign (2). Last evaluated 2018-06-14.

Allele frequency attached by ClinVar (database versions not stated): 1000 Genomes Project 0.26478; 1000 Genomes Project 30x 0.26874; gnomAD 0.30572 and 0.31167; TOPMed 0.31727.
gnomAD v4.1: 242,675 of 874,436 alleles (28%); highest among the groups gnomAD compares: African/African-American, 40%; 35,335 homozygotes.

Submissions (2):

GeneDx
Classification: Benign. Last evaluated: 2018-06-14. Review status: criteria provided, single submitter. Criteria: GeneDx Variant Classification (06012015). Collection method: clinical testing. Allele origin: germline. Affected: yes.
Comment: This variant is considered likely benign or benign based on one or more of the following criteria: it is a conservative change, it occurs at a poorly conserved position in the protein, it is predicted to be benign by multiple in silico algorithms, and/or has population frequency not consistent with disease.

Breakthrough Genomics
Classification: Benign. Review status: criteria provided, single submitter. Criteria: ACMG Guidelines, 2015. Collection method: not provided. Allele origin: germline. Inheritance: Autosomal recessive inheritance. Affected: yes.